The following is an entry in ClinVar:

NM_018706.7(DHTKD1):c.2456A>G (p.Gln819Arg)

Gene: DHTKD1 (dehydrogenase E1 and transketolase domain containing 1; plus strand). Cytogenetic location: 10p14.
Variant type: single nucleotide variant.
Coding change: c.2456A>G on transcript NM_018706.7 (MANE Select); coding-DNA position 2456, A replaced by G.
Protein change: p.Gln819Arg; replaces glutamine 819 with arginine.
Molecular consequence: missense variant.
Genome position (GRCh38, 1-based): chr10:12,118,802, A>G. VCF-style: chr10-12118802-A-G. GRCh37 (hg19) VCF-style: chr10-12160801-A-G.
Other names: c.2456A>G (NM_018706.5); short protein forms Q819R.
Identifiers: ClinVar variation 1478519 (VCV001478519.10), dbSNP rs749073861, ClinGen allele CA5408275.

ClinVar aggregate classification (germline): Uncertain significance. Review status: criteria provided, multiple submitters, no conflicts (2 of 4 stars). 2 submissions from 2 submitters: Uncertain significance (2). Last evaluated 2025-04-26.

Conditions:
Inborn genetic diseases. Identifiers: MedGen C0950123, MeSH D030342.
2-aminoadipic 2-oxoadipic aciduria (AAKAD). Also called: Aminoadipic aciduria; ALPHA-AMINOADIPIC AND ALPHA-KETOADIPIC ACIDURIA. Identifiers: Orphanet 79154, MedGen C1859817, MONDO:0008774, OMIM 204750.

Allele frequency attached by ClinVar (database versions not stated): TOPMed 0.00001; ExAC 0.00002; gnomAD 0.00002; gnomAD exomes 0.00002.
gnomAD v4.1: 31 of 1,607,410 alleles (0.0019%); highest among the groups gnomAD compares: Non-Finnish European, 0.0026%; no homozygotes.

Submissions (2):

Labcorp Genetics (formerly Invitae), Labcorp
Classification: Uncertain significance for 2-aminoadipic 2-oxoadipic aciduria. Last evaluated: 2025-04-26. Review status: criteria provided, single submitter. Criteria: Invitae Variant Classification Sherloc (09022015). Collection method: clinical testing. Allele origin: germline.
Comment: This sequence change replaces glutamine, which is neutral and polar, with arginine, which is basic and polar, at codon 819 of the DHTKD1 protein (p.Gln819Arg). This variant is present in population databases (rs749073861, gnomAD 0.006%). This missense change has been observed in individual(s) with DHTKD1-realted conditions (PMID: 34946966). ClinVar contains an entry for this variant (Variation ID: 1478519). Invitae Evidence Modeling of protein sequence and biophysical properties (such as structural, functional, and spatial information, amino acid conservation, physicochemical variation, residue mobility, and thermodynamic stability) indicates that this missense variant is not expected to disrupt DHTKD1 protein function with a negative predictive value of 80%. In summary, the available evidence is currently insufficient to determine the role of this variant in disease. Therefore, it has been classified as a Variant of Uncertain Significance.

Ambry Genetics
Classification: Uncertain significance for Inborn genetic diseases. Last evaluated: 2023-05-17. Review status: criteria provided, single submitter. Criteria: Ambry Variant Classification Scheme 2023. Collection method: clinical testing. Allele origin: germline.

Literature cited by the submitters: PubMed 34946966 (cited by Labcorp Genetics (formerly Invitae), Labcorp).